The following is an entry in ClinVar:

NM_000548.5(TSC2):c.521C>T (p.Ser174Leu)

Gene: TSC2 (TSC complex subunit 2; plus strand). Cytogenetic location: 16p13.3.
Variant type: single nucleotide variant.
Coding change: c.521C>T on transcript NM_000548.5 (MANE Select); coding-DNA position 521, C replaced by T.
Protein change: p.Ser174Leu; replaces serine 174 with leucine.
Molecular consequence: missense variant. On other transcripts: intron variant (1).
Genome position (GRCh38, 1-based): chr16:2,055,441, C>T. VCF-style: chr16-2055441-C-T. GRCh37 (hg19) VCF-style: chr16-2105442-C-T.
Other names: c.521C>T, p.Ser174Leu (NM_001077183.3, NM_001114382.3, NM_001363528.2 and 3 more transcripts); c.410C>T, p.Ser137Leu (NM_001318827.2); c.374C>T, p.Ser125Leu (NM_001318829.2); c.554C>T, p.Ser185Leu (NM_001318832.2); c.-1-755C>T (NM_001318831.2); c.521C>T (NM_000548.4); short protein forms S174L, S137L, S185L, S125L.
Identifiers: ClinVar variation 468149 (VCV000468149.22), dbSNP rs747538587, ClinGen allele CA054487.

ClinVar aggregate classification (germline): Conflicting classifications of pathogenicity. Review status: criteria provided, conflicting classifications (1 of 4 stars). 8 submissions from 8 submitters: Uncertain significance (5); Likely benign (3). Last evaluated 2026-01-28.

Conditions:
Hereditary cancer-predisposing syndrome. Also called: Hereditary neoplastic syndrome; Neoplastic Syndromes, Hereditary; Tumor predisposition; Hereditary Cancer Syndrome. Identifiers: Orphanet 140162, MedGen C0027672, MeSH D009386, MONDO:0015356.
Tuberous sclerosis 2 (TSC2). Identifiers: Orphanet 805, MedGen C1860707, MONDO:0013199, OMIM 613254.
Isolated focal cortical dysplasia type II (FCORD2). Also called: CORTICAL DYSPLASIA OF TAYLOR; Focal cortical dysplasia type II. Identifiers: Orphanet 268994, MedGen C1846385, MONDO:0011818, OMIM 607341, HP:0032051.
Lymphangiomyomatosis (LAM). Also called: Lymphangioleiomyomatosis; Lymphangioleiomyomatosis, somatic. Identifiers: Orphanet 538, MedGen C0751674, MONDO:0011705, OMIM 606690.
Tuberous sclerosis syndrome (TSC). Also called: Tuberous Sclerosis Complex; Tuberous sclerosis. Identifiers: Orphanet 805, MedGen C0041341, MONDO:0001734.

Allele frequency attached by ClinVar (database versions not stated): gnomAD 0.00001; TOPMed 0.00001.
gnomAD v4.1: 24 of 1,614,074 alleles (0.0015%); highest among the groups gnomAD compares: South Asian, 0.0044%; no homozygotes.

Submissions (8):

Labcorp Genetics (formerly Invitae), Labcorp
Classification: Likely benign for Tuberous sclerosis 2. Last evaluated: 2026-01-28. Review status: criteria provided, single submitter. Criteria: Invitae Variant Classification Sherloc (09022015). Collection method: clinical testing. Allele origin: germline.

Color Diagnostics, LLC DBA Color Health
Classification: Uncertain significance for Tuberous sclerosis syndrome. Last evaluated: 2025-05-28. Review status: criteria provided, single submitter. Criteria: ACMG Guidelines, 2015. Collection method: clinical testing. Allele origin: germline.
Comment: This missense variant replaces serine with leucine at codon 174 of the TSC2 protein. Computational prediction is inconclusive regarding the impact of this variant on protein structure and function. To our knowledge, functional studies have not been reported for this variant. This variant has not been reported in individuals affected with TSC2-related disorders in the literature. This variant has been identified in 3/251490 chromosomes in the general population by the Genome Aggregation Database (gnomAD). The available evidence is insufficient to determine the role of this variant in disease conclusively. Therefore, this variant is classified as a Variant of Uncertain Significance.

All of Us Research Program, National Institutes of Health
Classification: Uncertain significance for Tuberous sclerosis syndrome. Last evaluated: 2023-11-30. Review status: criteria provided, single submitter. Criteria: ACMG Guidelines, 2015. Collection method: clinical testing. Allele origin: germline. Inheritance: Autosomal dominant inheritance. Observed: 2 variant alleles, 2 heterozygotes.
Comment: This missense variant replaces serine with leucine at codon 174 of the TSC2 protein. Computational prediction is inconclusive regarding the impact of this variant on protein structure and function (internally defined REVEL score threshold 0.5 < inconclusive < 0.7, PMID: 27666373). To our knowledge, functional studies have not been reported for this variant. This variant has not been reported in individuals affected with tuberous sclerosis complex in the literature. This variant has been identified in 3/251490 chromosomes in the general population by the Genome Aggregation Database (gnomAD). The available evidence is insufficient to determine the role of this variant in disease conclusively. Therefore, this variant is classified as a Variant of Uncertain Significance.

This study involves interpretation of variants in research participants for the purpose of population health screening. Participant phenotype was not available at the time of variant classification. Additional details can be found in publication PMID: 35346344, PMCID: PMC8962531

GeneDx
Classification: Uncertain significance. Last evaluated: 2023-07-14. Review status: criteria provided, single submitter. Criteria: GeneDx Variant Classification Process June 2021. Collection method: clinical testing. Allele origin: germline. Affected: yes.
Comment: In silico analysis supports that this missense variant has a deleterious effect on protein structure/function; Observed in individuals with Peutz-Jeghers syndrome or high grade glioma in published literature (Zhang et al., 2015; Gu et al., 2021); This variant is associated with the following publications: (PMID: 18466115, 34754157, 33935721, 26580448)

Ambry Genetics
Classification: Likely benign for Hereditary cancer-predisposing syndrome. Last evaluated: 2022-12-07. Review status: criteria provided, single submitter. Criteria: Ambry Variant Classification Scheme 2023. Collection method: clinical testing. Allele origin: germline.

Genome-Nilou Lab
Classification: Likely benign for Tuberous sclerosis 2. Last evaluated: 2021-11-07. Review status: criteria provided, single submitter. Criteria: ACMG Guidelines, 2015. Collection method: clinical testing. Allele origin: germline. Affected: no.

CSER _CC_NCGL, University of Washington
Classification: Uncertain significance for Tuberous sclerosis complex. Last evaluated: 2016-10-01. Review status: criteria provided, single submitter. Criteria: Amendola et al. (Genome Res. 2015). Collection method: research. Allele origin: germline. Affected: no. Study: CSER - NEXT Medicine variant annotation.
Comment: This interpretation considers GERP score and allele frequency data, in addition to published reports of the variant in the literature, available at the time of review.

Molecular Genetics Lab, CHRU Brest
Classification: Uncertain significance for Tuberous sclerosis 2; Isolated focal cortical dysplasia type II; Lymphangiomyomatosis. Review status: criteria provided, single submitter. Criteria: ACMG Guidelines, 2015. Collection method: clinical testing. Allele origin: paternal. Affected: yes.

Literature cited by the submitters: PubMed 26580448 (cited by Ambry Genetics); PubMed 34754157 (cited by Ambry Genetics).